The following is an entry in ClinVar:

ClinVar aggregate classification (germline): Uncertain significance. Review status: criteria provided, multiple submitters, no conflicts (2 of 4 stars). 2 submissions from 2 submitters: Uncertain significance (2). Last evaluated 2025-06-14.

Conditions:
Short-rib thoracic dysplasia 6 with or without polydactyly (SRTD6). Also called: Majewski Syndrome; SHORT-RIB THORACIC DYSPLASIA 6 WITH POLYDACTYLY; SHORT-RIB THORACIC DYSPLASIA 6 WITHOUT POLYDACTYLY; POLYDACTYLY WITH NEONATAL CHONDRODYSTROPHY, TYPE II; SHORT RIB-POLYDACTYLY SYNDROME, TYPE IIA. Identifiers: MedGen C0024507, MONDO:0009894, OMIM 263520.

Allele frequency attached by ClinVar (database versions not stated): gnomAD 0.00001; gnomAD exomes 0.00001; ExAC 0.00002; TOPMed 0.00003; ESP Exome Variant Server 0.00008; 1000 Genomes Project 0.00020; 1000 Genomes Project 30x 0.00031.

Submissions (2):

Labcorp Genetics (formerly Invitae), Labcorp
Classification: Uncertain significance for Short-rib thoracic dysplasia 6 with or without polydactyly. Last evaluated: 2025-06-14. Review status: criteria provided, single submitter. Criteria: Invitae Variant Classification Sherloc (09022015). Collection method: clinical testing. Allele origin: germline.
Comment: This sequence change replaces arginine, which is basic and polar, with cysteine, which is neutral and slightly polar, at codon 261 of the NEK1 protein (p.Arg261Cys). This variant is present in population databases (rs191859401, gnomAD 0.003%). This missense change has been observed in individual(s) with amyotrophic lateral sclerosis (PMID: 35896380). ClinVar contains an entry for this variant (Variation ID: 1319278). Invitae Evidence Modeling of protein sequence and biophysical properties (such as structural, functional, and spatial information, amino acid conservation, physicochemical variation, residue mobility, and thermodynamic stability) indicates that this missense variant is not expected to disrupt NEK1 protein function with a negative predictive value of 95%. In summary, the available evidence is currently insufficient to determine the role of this variant in disease. Therefore, it has been classified as a Variant of Uncertain Significance.

Institute for Clinical Genetics, University Hospital TU Dresden, University Hospital TU Dresden
Classification: Uncertain significance. Last evaluated: 2021-11-03. Review status: criteria provided, single submitter. Criteria: ACMG Guidelines, 2015. Collection method: clinical testing. Allele origin: germline.

Literature cited by the submitters: PubMed 35896380 (cited by Labcorp Genetics (formerly Invitae), Labcorp).

NM_001199397.3(NEK1):c.781C>T (p.Arg261Cys)

Gene: NEK1 (NIMA related kinase 1; minus strand). Cytogenetic location: 4q33.
Variant type: single nucleotide variant.
Coding change: c.781C>T on transcript NM_001199397.3 (MANE Select); coding-DNA position 781, C replaced by T.
Protein change: p.Arg261Cys; replaces arginine 261 with cysteine.
Molecular consequence: missense variant. On other transcripts: non-coding transcript variant (2).
Genome position (GRCh38, 1-based): chr4:169,585,375, G>A on the plus strand (C>T on the coding strand, the complement: NEK1 is on the minus strand). VCF-style: chr4-169585375-G-A. GRCh37 (hg19) VCF-style: chr4-170506526-G-A.
Other names: c.781C>T, p.Arg261Cys (NM_001199398.3, NM_001199399.3, NM_001199400.3 and 7 more transcripts); short protein forms R261C.
Identifiers: ClinVar variation 1319278 (VCV001319278.7), dbSNP rs191859401, ClinGen allele CA3137955.